The following is an entry in ClinVar:

NM_016038.4(SBDS):c.263T>C (p.Leu88Ser)

Gene: SBDS (SBDS ribosome maturation factor; minus strand). Cytogenetic location: 7q11.21.
Variant type: single nucleotide variant.
Coding change: c.263T>C on transcript NM_016038.4 (MANE Select); coding-DNA position 263, T replaced by C.
Protein change: p.Leu88Ser; replaces leucine 88 with serine.
Molecular consequence: missense variant.
Genome position (GRCh38, 1-based): chr7:66,993,413, A>G on the plus strand (T>C on the coding strand, the complement: SBDS is on the minus strand). VCF-style: chr7-66993413-A-G. GRCh37 (hg19) VCF-style: chr7-66458400-A-G.
Other names: short protein forms L88S.
Identifiers: ClinVar variation 3437529 (VCV003437529.1).

ClinVar aggregate classification (germline): Uncertain significance (1 of 4 stars; one submission).

Conditions:
Inborn genetic diseases. Identifiers: MedGen C0950123, MeSH D030342.

gnomAD v4.1: 1 of 1,612,422 alleles (0.000062%); highest among the groups gnomAD compares: Non-Finnish European, 0.000085%; no homozygotes.

Submission:

Ambry Genetics
Classification: Uncertain significance for Inborn genetic diseases. Last evaluated: 2024-11-26. Review status: criteria provided, single submitter. Criteria: Ambry Variant Classification Scheme 2023. Collection method: clinical testing. Allele origin: germline.
Comment: The p.L88S variant (also known as c.263T>C), located in coding exon 3 of the SBDS gene, results from a T to C substitution at nucleotide position 263. The leucine at codon 88 is replaced by serine, an amino acid with dissimilar properties. This amino acid position is conserved. In addition, this alteration is predicted to be deleterious by in silico analysis. Based on the available evidence, the clinical significance of this variant remains unclear.